The following is an entry in ClinVar:

ClinVar aggregate classification (germline): Uncertain significance (1 of 4 stars; one submission).

Submission:

Labcorp Genetics (formerly Invitae), Labcorp
Classification: Uncertain significance. Last evaluated: 2023-02-27. Review status: criteria provided, single submitter. Criteria: Invitae Variant Classification Sherloc (09022015). Collection method: clinical testing. Allele origin: germline.
Comment: This sequence change replaces valine, which is neutral and non-polar, with methionine, which is neutral and non-polar, at codon 202 of the CAMK2B protein (p.Val202Met). This variant is not present in population databases (gnomAD no frequency). This variant has not been reported in the literature in individuals affected with CAMK2B-related conditions. An algorithm developed to predict the effect of missense changes on protein structure and function (PolyPhen-2) suggests that this variant is likely to be disruptive. In summary, the available evidence is currently insufficient to determine the role of this variant in disease. Therefore, it has been classified as a Variant of Uncertain Significance.

NM_001220.5(CAMK2B):c.604G>A (p.Val202Met)

Gene: CAMK2B (calcium/calmodulin dependent protein kinase II beta; minus strand). Cytogenetic location: 7p13.
Variant type: single nucleotide variant.
Coding change: c.604G>A on transcript NM_001220.5 (MANE Select); coding-DNA position 604, G replaced by A.
Protein change: p.Val202Met; replaces valine 202 with methionine.
Molecular consequence: missense variant.
Genome position (GRCh38, 1-based): chr7:44,242,652, C>T on the plus strand (G>A on the coding strand, the complement: CAMK2B is on the minus strand). VCF-style: chr7-44242652-C-T. GRCh37 (hg19) VCF-style: chr7-44282251-C-T.
Other names: c.604G>A, p.Val202Met (NM_001293170.2, NM_172078.3, NM_172079.3 and 5 more transcripts); short protein forms V202M.
Identifiers: ClinVar variation 2802454 (VCV002802454.3), dbSNP rs2486054415, ClinGen allele CA367365313.
Genomic context (GRCh38, chr7:44,242,652, plus strand): 5'-GCTTGTGCTGGTCCTCGTCCCAGAAGGGTGGGTAGCCCACGAGCAGGATGTACAGGATCA[C>T]CCCTGCGGATGGGGCCTGTGAGCACCGCAGCCACTTGCAGGGTGCCACCGTCCATGAAGC-3'
Protein context (NP_001211.3, residues 192-212): GKPVDIWACG[Val202Met]ILYILLVGYP